The following is an entry in ClinVar:

ClinVar aggregate classification (germline): Pathogenic. Review status: criteria provided, single submitter (1 of 4 stars). 3 submissions from 3 submitters: Pathogenic (1). 2 of the submissions do not count toward it. Last evaluated 2024-04-03.

Conditions:
Charcot-Marie-Tooth disease axonal type 2K (CMT2K). Also called: Charcot-Marie-Tooth disease type 2K; CHARCOT-MARIE-TOOTH DISEASE, AXONAL, AUTOSOMAL RECESSIVE, TYPE 2K; CHARCOT-MARIE-TOOTH NEUROPATHY, AXONAL, TYPE 2K. Identifiers: Orphanet 101097, Orphanet 99944, MedGen C1842983, MONDO:0011916, OMIM 607831.
Charcot-Marie-Tooth disease type 4A. Also called: Charcot-Marie-Tooth disease, demyelinating, autosomal recessive, type 4a. Identifiers: Orphanet 99948, MedGen C1859198, MONDO:0008961, OMIM 214400.
Charcot-Marie-Tooth disease. Also called: Charcot-Marie-Tooth Hereditary Neuropathy; Charcot-Marie-Tooth Neuropathy. Identifiers: Orphanet 166, MedGen C0007959, MONDO:0015626.

Submissions (3):

Labcorp Genetics (formerly Invitae), Labcorp
Classification: Pathogenic for Charcot-Marie-Tooth disease type 4A. Last evaluated: 2024-04-03. Review status: criteria provided, single submitter. Criteria: Invitae Variant Classification Sherloc (09022015). Collection method: clinical testing. Allele origin: germline.
Comment: This sequence change creates a premature translational stop signal (p.Lys39Argfs*5) in the GDAP1 gene. It is expected to result in an absent or disrupted protein product. Loss-of-function variants in GDAP1 are known to be pathogenic (PMID: 11743580). The frequency data for this variant in the population databases is considered unreliable, as metrics indicate poor data quality at this position in the gnomAD database. This premature translational stop signal has been observed in individual(s) with Charcot–Marie–Tooth disease (PMID: 25614874). ClinVar contains an entry for this variant (Variation ID: 637504). For these reasons, this variant has been classified as Pathogenic.

Inherited Neuropathy Consortium Ii, University Of Miami
Classification: Uncertain significance for Charcot-Marie-Tooth disease axonal type 2K. Last evaluated: 2016-01-06. Review status: no assertion criteria provided. Collection method: literature only. Allele origin: germline. Affected: yes. Not counted in ClinVar's aggregate classification.

Inherited Neuropathy Consortium
Classification: Pathogenic for Charcot-Marie-Tooth disease. Review status: no assertion criteria provided. Collection method: literature only. Allele origin: germline. Affected: yes. Not counted in ClinVar's aggregate classification.

Literature cited by the submitters: PubMed 11743580 (cited by Labcorp Genetics (formerly Invitae), Labcorp); PubMed 25614874 (cited by 3 submitters).

NM_018972.4(GDAP1):c.116del (p.Lys39fs)

Genes: GDAP1 (ganglioside induced differentiation associated protein 1; plus strand), LOC130000622 (ATAC-STARR-seq lymphoblastoid active region 27542; plus strand). Cytogenetic location: 8q21.11.
Variant type: Deletion.
Coding change: c.116del on transcript NM_018972.4 (MANE Select); coding-DNA position 116, one base deleted (A; older notation c.116delA).
Protein change: p.Lys39fs; shifts the reading frame from lysine 39.
Molecular consequence: frameshift variant. On other transcripts: 5 prime UTR variant (2), intron variant (1).
Genome position (GRCh38, 1-based): chr8:74,350,577, A deleted; the last of 4 consecutive A bases (chr8:74,350,574-74,350,577); deleting any one gives the same sequence. VCF-style (leftmost placement, unchanged base first): chr8-74350573-CA-C. GRCh37 (hg19) VCF-style: chr8-75262808-CA-C.
Other names: c.-67del (NM_001362929.2); c.116del, p.Lys39fs (NM_001362930.2, NM_001362931.2); c.-19del (NM_001362932.2); c.-64+105del (NM_001040875.4); short protein forms K39fs.
Identifiers: ClinVar variation 637504 (VCV000637504.11), dbSNP rs778547659, ClinGen allele CA4785021.